The following is an entry in ClinVar:

ClinVar aggregate classification (germline): Uncertain significance (1 of 4 stars; one submission).

Conditions:
Hereditary cancer-predisposing syndrome. Also called: Neoplastic Syndromes, Hereditary; Tumor predisposition; Hereditary Cancer Syndrome; Hereditary neoplastic syndrome. Identifiers: Orphanet 140162, MedGen C0027672, MeSH D009386, MONDO:0015356.

Allele frequency attached by ClinVar (database versions not stated): ExAC 0.00001; gnomAD exomes 0.00001.
gnomAD v4.1: 8 of 1,614,140 alleles (0.0005%); highest among the groups gnomAD compares: Non-Finnish European, 0.00059%; no homozygotes.

Submission:

Ambry Genetics
Classification: Uncertain significance for Hereditary cancer-predisposing syndrome. Last evaluated: 2022-04-26. Review status: criteria provided, single submitter. Criteria: Ambry Variant Classification Scheme 2023. Collection method: clinical testing. Allele origin: germline.
Comment: The p.L242P variant (also known as c.725T>C), located in coding exon 7 of the FANCC gene, results from a T to C substitution at nucleotide position 725. The leucine at codon 242 is replaced by proline, an amino acid with similar properties. This amino acid position is conserved. In addition, this alteration is predicted to be deleterious by in silico analysis. Since supporting evidence is limited at this time, the clinical significance of this alteration remains unclear.

NM_000136.3(FANCC):c.725T>C (p.Leu242Pro)

Genes: AOPEP (aminopeptidase O (putative); plus strand), FANCC (FA complementation group C; minus strand). Cytogenetic location: 9q22.32.
Variant type: single nucleotide variant.
Coding change: c.725T>C on transcript NM_000136.3 (MANE Select); coding-DNA position 725, T replaced by C.
Protein change: p.Leu242Pro; replaces leucine 242 with proline.
Molecular consequence: missense variant.
Genome position (GRCh38, 1-based): chr9:95,135,464, A>G on the plus strand (T>C on the coding strand, the complement: FANCC is on the minus strand). VCF-style: chr9-95135464-A-G. GRCh37 (hg19) VCF-style: chr9-97897746-A-G.
Other names: c.725T>C, p.Leu242Pro (NM_001243743.2, NM_001243744.2); short protein forms L242P.
Identifiers: ClinVar variation 1757962 (VCV001757962.2), dbSNP rs747616510, ClinGen allele CA5137644.